The following is an entry in ClinVar:

ClinVar aggregate classification (germline): Uncertain significance (1 of 4 stars; one submission).

Conditions:
Nephronophthisis 14 (NPHP14). Identifiers: Orphanet 2318, MedGen C3539071, MONDO:0013916, OMIM 614844.

gnomAD v4.1: 4 of 1,614,002 alleles (0.00025%); highest among the groups gnomAD compares: Non-Finnish European, 0.00034%; no homozygotes.

Submission:

Labcorp Genetics (formerly Invitae), Labcorp
Classification: Uncertain significance for Nephronophthisis 14. Last evaluated: 2022-03-01. Review status: criteria provided, single submitter. Criteria: Invitae Variant Classification Sherloc (09022015). Collection method: clinical testing. Allele origin: germline.
Comment: In summary, the available evidence is currently insufficient to determine the role of this variant in disease. Therefore, it has been classified as a Variant of Uncertain Significance. Algorithms developed to predict the effect of missense changes on protein structure and function are either unavailable or do not agree on the potential impact of this missense change (SIFT: "Deleterious"; PolyPhen-2: "Benign"; Align-GVGD: "Class C0"). This variant has not been reported in the literature in individuals affected with ZNF423-related conditions. This variant is not present in population databases (gnomAD no frequency). This sequence change replaces proline, which is neutral and non-polar, with arginine, which is basic and polar, at codon 390 of the ZNF423 protein (p.Pro390Arg).

NM_001379286.1(ZNF423):c.1193C>G (p.Pro398Arg)

Gene: ZNF423 (zinc finger protein 423; minus strand). Cytogenetic location: 16q12.1.
Variant type: single nucleotide variant.
Coding change: c.1193C>G on transcript NM_001379286.1 (MANE Select); coding-DNA position 1193, C replaced by G.
Protein change: p.Pro398Arg; replaces proline 398 with arginine.
Molecular consequence: missense variant.
Genome position (GRCh38, 1-based): chr16:49,637,983, G>C on the plus strand (C>G on the coding strand, the complement: ZNF423 is on the minus strand). VCF-style: chr16-49637983-G-C. GRCh37 (hg19) VCF-style: chr16-49671894-G-C.
Other names: c.989C>G, p.Pro330Arg (NM_001271620.2); c.818C>G, p.Pro273Arg (NM_001330533.2); c.1169C>G, p.Pro390Arg (NM_015069.5); short protein forms P330R, P390R, P273R, P398R.
Identifiers: ClinVar variation 2179243 (VCV002179243.4), dbSNP rs112570445, ClinGen allele CA395850131.